The following is an entry in ClinVar:

ClinVar aggregate classification (germline): Uncertain significance (1 of 4 stars; one submission).

Allele frequency attached by ClinVar (database versions not stated): gnomAD exomes below 0.00001; ExAC 0.00001.
gnomAD v4.1: 1 of 1,613,688 alleles (0.000062%); no homozygotes.

Submission:

Labcorp Genetics (formerly Invitae), Labcorp
Classification: Uncertain significance. Last evaluated: 2021-10-04. Review status: criteria provided, single submitter. Criteria: Invitae Variant Classification Sherloc (09022015). Collection method: clinical testing. Allele origin: germline.
Comment: In summary, the available evidence is currently insufficient to determine the role of this variant in disease. Therefore, it has been classified as a Variant of Uncertain Significance. Algorithms developed to predict the effect of missense changes on protein structure and function (SIFT, PolyPhen-2, Align-GVGD) all suggest that this variant is likely to be tolerated. This variant has not been reported in the literature in individuals affected with EFEMP1-related conditions. This variant is present in population databases (rs754310502, ExAC 0.002%). This sequence change replaces methionine with isoleucine at codon 385 of the EFEMP1 protein (p.Met385Ile). The methionine residue is moderately conserved and there is a small physicochemical difference between methionine and isoleucine.

NM_001039348.3(EFEMP1):c.1155G>A (p.Met385Ile)

Gene: EFEMP1 (EGF-like fibulin extracellular matrix protein 1; minus strand). Cytogenetic location: 2p16.1.
Variant type: single nucleotide variant.
Coding change: c.1155G>A on transcript NM_001039348.3 (MANE Select); coding-DNA position 1155, G replaced by A.
Protein change: p.Met385Ile; replaces methionine 385 with isoleucine.
Molecular consequence: missense variant.
Genome position (GRCh38, 1-based): chr2:55,870,885, C>T on the plus strand (G>A on the coding strand, the complement: EFEMP1 is on the minus strand). VCF-style: chr2-55870885-C-T. GRCh37 (hg19) VCF-style: chr2-56098020-C-T.
Other names: c.1155G>A, p.Met385Ile (NM_001039349.3); short protein forms M385I.
Identifiers: ClinVar variation 1494293 (VCV001494293.6), dbSNP rs754310502, ClinGen allele CA1668731.